The following is an entry in ClinVar:

NM_000038.6(APC):c.878G>A (p.Ser293Asn)

Gene: APC (APC regulator of Wnt signaling pathway; plus strand). Cytogenetic location: 5q22.2.
Variant type: single nucleotide variant.
Coding change: c.878G>A on transcript NM_000038.6 (MANE Select); coding-DNA position 878, G replaced by A.
Protein change: p.Ser293Asn; replaces serine 293 with asparagine.
Molecular consequence: missense variant.
Genome position (GRCh38, 1-based): chr5:112,815,538, G>A. VCF-style: chr5-112815538-G-A. GRCh37 (hg19) VCF-style: chr5-112151235-G-A.
Other names: c.878G>A, p.Ser293Asn (NM_001127510.3, NM_001354895.2, NM_001354896.2 and 1 more transcripts); c.824G>A, p.Ser275Asn (NM_001127511.3); c.908G>A, p.Ser303Asn (NM_001354897.2, NM_001354902.2); c.803G>A, p.Ser268Asn (NM_001354898.2, NM_001354904.2); c.794G>A, p.Ser265Asn (NM_001354899.2); c.701G>A, p.Ser234Asn (NM_001354900.2, NM_001354901.2, NM_001354905.2); c.29G>A, p.Ser10Asn (NM_001354906.2); short protein forms S293N, S275N, S265N, S303N, S10N, S268N, S234N.
Identifiers: ClinVar variation 537537 (VCV000537537.21), dbSNP rs1040502776, ClinGen allele CA16023237.

ClinVar aggregate classification (germline): Uncertain significance. Review status: criteria provided, multiple submitters, no conflicts (2 of 4 stars). 5 submissions from 5 submitters: Uncertain significance (5). Last evaluated 2025-11-24.

Conditions:
Familial adenomatous polyposis 1 (FAP1). Also called: FAMILIAL ADENOMATOUS POLYPOSIS 1, ATTENUATED; POLYPOSIS, ADENOMATOUS INTESTINAL. Identifiers: MedGen C2713442, MONDO:0021056, OMIM 175100. Disease mechanism: loss of function.
Hereditary cancer-predisposing syndrome. Also called: Tumor predisposition; Hereditary Cancer Syndrome; Hereditary neoplastic syndrome; Neoplastic Syndromes, Hereditary. Identifiers: Orphanet 140162, MedGen C0027672, MeSH D009386, MONDO:0015356.

Allele frequency attached by ClinVar (database versions not stated): gnomAD 0.00001; TOPMed 0.00001.
gnomAD v4.1: 2 of 1,612,374 alleles (0.00012%); highest among the groups gnomAD compares: Non-Finnish European, 0.00017%; no homozygotes.

Submissions (5):

Labcorp Genetics (formerly Invitae), Labcorp
Classification: Uncertain significance for Familial adenomatous polyposis 1. Last evaluated: 2025-11-24. Review status: criteria provided, single submitter. Criteria: Invitae Variant Classification Sherloc (09022015). Collection method: clinical testing. Allele origin: germline.
Comment: This sequence change replaces serine, which is neutral and polar, with asparagine, which is neutral and polar, at codon 293 of the APC protein (p.Ser293Asn). This variant is not present in population databases (gnomAD no frequency). This variant has not been reported in the literature in individuals affected with APC-related conditions. ClinVar contains an entry for this variant (Variation ID: 537537). Invitae Evidence Modeling of protein sequence and biophysical properties (such as structural, functional, and spatial information, amino acid conservation, physicochemical variation, residue mobility, and thermodynamic stability) indicates that this missense variant is not expected to disrupt APC protein function with a negative predictive value of 95%. In summary, the available evidence is currently insufficient to determine the role of this variant in disease. Therefore, it has been classified as a Variant of Uncertain Significance.

Ambry Genetics
Classification: Uncertain significance for Hereditary cancer-predisposing syndrome. Last evaluated: 2025-06-30. Review status: criteria provided, single submitter. Criteria: Ambry Variant Classification Scheme 2023. Collection method: clinical testing. Allele origin: germline.
Comment: The p.S293N variant (also known as c.878G>A), located in coding exon 8 of the APC gene, results from a G to A substitution at nucleotide position 878. The serine at codon 293 is replaced by asparagine, an amino acid with highly similar properties. This variant was observed in an individual with early onset-breast cancer amongst a cohort of 1781 non-Ashkenazi Jewish individuals undergoing BRCA1/2 gene testing based on a personal history of breast cancer (Tung N et al. Cancer, 2015 Jan;121:25-33). This amino acid position is highly conserved in available vertebrate species. In addition, in silico predictors for this gene do not accurately predict pathogenicity. Since supporting evidence is limited at this time, the clinical significance of this alteration remains unclear.

Color Diagnostics, LLC DBA Color Health
Classification: Uncertain significance for Hereditary cancer-predisposing syndrome. Last evaluated: 2024-09-23. Review status: criteria provided, single submitter. Criteria: ACMG Guidelines, 2015. Collection method: clinical testing. Allele origin: germline.
Comment: This missense variant replaces serine with asparagine at codon 293 of the APC protein. Computational prediction suggests that this variant may not impact protein structure and function (internally defined REVEL score threshold <= 0.5, PMID: 27666373). To our knowledge, functional studies have not been reported for this variant. This variant has been detected in an individual affected with breast cancer (PMID: 25186627). This variant has not been identified in the general population by the Genome Aggregation Database (gnomAD). The available evidence is insufficient to determine the role of this variant in disease conclusively. Therefore, this variant is classified as a Variant of Uncertain Significance.

Sema4
Classification: Uncertain significance for Hereditary cancer-predisposing syndrome. Last evaluated: 2021-04-30. Review status: criteria provided, single submitter. Criteria: Sema4 Curation Guidelines. Collection method: curation. Allele origin: germline.
Comment: The APC c.878G>A (p.S293N) variant has not been reported in the literature to our knowledge. This variant was not observed in the large and broad cohorts of the Genome Aggregation Database (PMID: 32461654). This variant has been reported in Clinvar (Variation ID 537537). In silico tools suggest the impact of the variant on protein function to be inconclusive, although these predictions have not been confirmed by functional studies. The evidence is insufficient to meet ACMG/AMP criteria for classifying the variant as benign or pathogenic. Thus, the clinical significance of this variant is currently uncertain.

Mendelics
Classification: Uncertain significance for Familial adenomatous polyposis 1. Last evaluated: 2019-05-28. Review status: criteria provided, single submitter. Criteria: Mendelics Assertion Criteria 2017. Collection method: clinical testing. Allele origin: unknown.

Literature cited by the submitters: PubMed 25186627 (cited by Ambry Genetics and Color Diagnostics, LLC DBA Color Health).